The following is an entry in ClinVar:

ClinVar aggregate classification (germline): Benign (1 of 4 stars; one submission).

Allele frequency attached by ClinVar (database versions not stated): 1000 Genomes Project 0.16913; gnomAD 0.21829 and 0.22843; TOPMed 0.22414.
gnomAD v4.1: 32,044 of 147,726 alleles (22%); highest among the groups gnomAD compares: African/African-American, 40%; 4,598 homozygotes.

Submission:

GeneDx
Classification: Benign. Last evaluated: 2018-06-14. Review status: criteria provided, single submitter. Criteria: GeneDx Variant Classification (06012015). Collection method: clinical testing. Allele origin: germline. Affected: yes.
Comment: This variant is considered likely benign or benign based on one or more of the following criteria: it is a conservative change, it occurs at a poorly conserved position in the protein, it is predicted to be benign by multiple in silico algorithms, and/or has population frequency not consistent with disease.

NM_144670.6(A2ML1):c.1833+316A>G

Gene: A2ML1 (alpha-2-macroglobulin like 1; plus strand). Cytogenetic location: 12p13.31.
Variant type: single nucleotide variant.
Coding change: c.1833+316A>G on transcript NM_144670.6 (MANE Select); 316 bases into the intron after coding-DNA position 1833, A replaced by G.
Molecular consequence: intron variant.
Genome position (GRCh38, 1-based): chr12:8,848,014, A>G. VCF-style: chr12-8848014-A-G. GRCh37 (hg19) VCF-style: chr12-9000610-A-G.
Other names: c.360+316A>G (NM_001282424.3).
Identifiers: ClinVar variation 561885 (VCV000561885.1), dbSNP rs57785077, ClinGen allele CA16435675.
Genomic context (GRCh38, chr12:8,848,014, plus strand): 5'-ACATGGAGAAACTCTGTCTCTACTAAAAATCCAGAAAAAAAAAAAAAAAATTAACTGGGC[A>G]TGGGCCCATGCCTGTAATCCTGGGGAGGCTGAGGCAGGAGAATCACTTGAACCTGGGAGG-3'